The following is an entry in ClinVar:

NM_005431.2(XRCC2):c.605C>T (p.Ala202Val)

Gene: XRCC2 (X-ray repair cross complementing 2; minus strand). Cytogenetic location: 7q36.1.
Variant type: single nucleotide variant.
Coding change: c.605C>T on transcript NM_005431.2 (MANE Select); coding-DNA position 605, C replaced by T.
Protein change: p.Ala202Val; replaces alanine 202 with valine.
Molecular consequence: missense variant.
Genome position (GRCh38, 1-based): chr7:152,648,880, G>A on the plus strand (C>T on the coding strand, the complement: XRCC2 is on the minus strand). VCF-style: chr7-152648880-G-A. GRCh37 (hg19) VCF-style: chr7-152345965-G-A.
Other names: short protein forms A202V.
Identifiers: ClinVar variation 1511877 (VCV001511877.11), dbSNP rs1334975765, ClinGen allele CA370198331.
Genomic context (GRCh38, chr7:152,648,880, plus strand): 5'-TCTATGTCCACATCACACAGTCGTCGAGAGGCATGAGAAGGTTCTTCTGATGAGCTCGAG[G>A]CTTTCTGCATTATAGTTTGTGTCGTTGCAAAAAGAACCAGGCGATAGTCATTTACAAGCT-3'
Protein context (NP_005422.1, residues 192-212): FATTQTIMQK[Ala202Val]SSSSEEPSHA

ClinVar aggregate classification (germline): Uncertain significance. Review status: criteria provided, multiple submitters, no conflicts (2 of 4 stars). 2 submissions from 2 submitters: Uncertain significance (2). Last evaluated 2024-09-23.

Conditions:
Hereditary cancer-predisposing syndrome. Also called: Hereditary neoplastic syndrome; Neoplastic Syndromes, Hereditary; Tumor predisposition; Hereditary Cancer Syndrome. Identifiers: Orphanet 140162, MedGen C0027672, MeSH D009386, MONDO:0015356.

Allele frequency attached by ClinVar (database versions not stated): gnomAD exomes below 0.00001; gnomAD 0.00001; TOPMed 0.00001.
gnomAD v4.1: 19 of 1,614,014 alleles (0.0012%); highest among the groups gnomAD compares: Non-Finnish European, 0.0015%; no homozygotes.

Submissions (2):

Ambry Genetics
Classification: Uncertain significance for Hereditary cancer-predisposing syndrome. Last evaluated: 2024-09-23. Review status: criteria provided, single submitter. Criteria: Ambry Variant Classification Scheme 2023. Collection method: clinical testing. Allele origin: germline.
Comment: The p.A202V variant (also known as c.605C>T), located in coding exon 3 of the XRCC2 gene, results from a C to T substitution at nucleotide position 605. The alanine at codon 202 is replaced by valine, an amino acid with similar properties. This amino acid position is conserved. In addition, this alteration is predicted to be tolerated by in silico analysis. Since supporting evidence is limited at this time, the clinical significance of this alteration remains unclear.

Labcorp Genetics (formerly Invitae), Labcorp
Classification: Uncertain significance. Last evaluated: 2024-01-13. Review status: criteria provided, single submitter. Criteria: Invitae Variant Classification Sherloc (09022015). Collection method: clinical testing. Allele origin: germline.
Comment: This sequence change replaces alanine, which is neutral and non-polar, with valine, which is neutral and non-polar, at codon 202 of the XRCC2 protein (p.Ala202Val). This variant is not present in population databases (gnomAD no frequency). This variant has not been reported in the literature in individuals affected with XRCC2-related conditions. ClinVar contains an entry for this variant (Variation ID: 1511877). Advanced modeling of protein sequence and biophysical properties (such as structural, functional, and spatial information, amino acid conservation, physicochemical variation, residue mobility, and thermodynamic stability) performed at Invitae indicates that this missense variant is not expected to disrupt XRCC2 protein function with a negative predictive value of 80%. In summary, the available evidence is currently insufficient to determine the role of this variant in disease. Therefore, it has been classified as a Variant of Uncertain Significance.